The following is an entry in ClinVar:

ClinVar aggregate classification (germline): Conflicting classifications of pathogenicity. Review status: criteria provided, conflicting classifications (1 of 4 stars). 4 submissions from 4 submitters: Uncertain significance (2); Benign (1); Likely benign (1). Last evaluated 2025-12-08.

Allele frequency attached by ClinVar (database versions not stated): gnomAD 0.00012 and 0.00022; TOPMed 0.00022; gnomAD exomes 0.00032 and 0.00042; ExAC 0.00046; 1000 Genomes Project 30x 0.00062; 1000 Genomes Project 0.00080.
gnomAD v4.1: 405 of 1,350,956 alleles (0.03%); highest among the groups gnomAD compares: East Asian, 0.27%; 4 homozygotes.

Submissions (4):

Labcorp Genetics (formerly Invitae), Labcorp
Classification: Uncertain significance. Last evaluated: 2025-12-08. Review status: criteria provided, single submitter. Criteria: Invitae Variant Classification Sherloc (09022015). Collection method: clinical testing. Allele origin: germline.
Comment: This sequence change falls in intron 15 of the GUCY2C gene. It does not directly change the encoded amino acid sequence of the GUCY2C protein. It affects a nucleotide within the consensus splice site. This variant is present in population databases (rs200500444, gnomAD 0.2%). This variant has not been reported in the literature in individuals affected with GUCY2C-related conditions. ClinVar contains an entry for this variant (Variation ID: 1445424). Variants that disrupt the consensus splice site are a relatively common cause of aberrant splicing (PMID: 17576681, 9536098). Algorithms developed to predict the effect of sequence changes on RNA splicing suggest that this variant is not likely to affect RNA splicing. In summary, the available evidence is currently insufficient to determine the role of this variant in disease. Therefore, it has been classified as a Variant of Uncertain Significance.

Laboratory of Genetics, Children's Clinical University Hospital Latvia
Classification: Benign. Last evaluated: 2025-02-16. Review status: criteria provided, single submitter. Criteria: ACMG Guidelines, 2015. Collection method: clinical testing. Allele origin: germline. Affected: yes.

Blueprint Genetics
Classification: Likely benign. Last evaluated: 2024-11-15. Review status: criteria provided, single submitter. Criteria: ACMG Guidelines, 2015. Collection method: clinical testing. Allele origin: germline.

Breakthrough Genomics
Classification: Uncertain significance. Review status: criteria provided, single submitter. Criteria: ACMG Guidelines, 2015. Collection method: not provided. Allele origin: germline. Inheritance: Autosomal recessive inheritance. Affected: yes.

Literature cited by the submitters: PubMed 17576681 (cited by Labcorp Genetics (formerly Invitae), Labcorp); PubMed 9536098 (cited by Labcorp Genetics (formerly Invitae), Labcorp).

NM_004963.4(GUCY2C):c.1710+6A>C

Gene: GUCY2C (guanylate cyclase 2C; minus strand). Cytogenetic location: 12p12.3.
Variant type: single nucleotide variant.
Coding change: c.1710+6A>C on transcript NM_004963.4 (MANE Select); 6 bases into the intron after coding-DNA position 1710, A replaced by C.
Molecular consequence: intron variant.
Genome position (GRCh38, 1-based): chr12:14,651,401, T>G on the plus strand (A>C on the coding strand, the complement: GUCY2C is on the minus strand). VCF-style: chr12-14651401-T-G. GRCh37 (hg19) VCF-style: chr12-14804335-T-G.
Identifiers: ClinVar variation 1445424 (VCV001445424.9), dbSNP rs200500444, ClinGen allele CA6463318.